The following is an entry in ClinVar:

ClinVar aggregate classification (germline): Uncertain significance (1 of 4 stars; one submission).

Allele frequency attached by ClinVar (database versions not stated): ExAC 0.00001.

Submission:

Labcorp Genetics (formerly Invitae), Labcorp
Classification: Uncertain significance. Last evaluated: 2024-01-05. Review status: criteria provided, single submitter. Criteria: Invitae Variant Classification Sherloc (09022015). Collection method: clinical testing. Allele origin: germline.
Comment: This sequence change replaces isoleucine, which is neutral and non-polar, with valine, which is neutral and non-polar, at codon 722 of the ITGAM protein (p.Ile722Val). This variant is present in population databases (rs768074536, gnomAD 0.003%). This variant has not been reported in the literature in individuals affected with ITGAM-related conditions. Algorithms developed to predict the effect of missense changes on protein structure and function output the following: SIFT: "Not Available"; PolyPhen-2: "Benign"; Align-GVGD: "Not Available". The valine amino acid residue is found in multiple mammalian species, which suggests that this missense change does not adversely affect protein function. In summary, the available evidence is currently insufficient to determine the role of this variant in disease. Therefore, it has been classified as a Variant of Uncertain Significance.

NM_000632.4(ITGAM):c.2164A>G (p.Ile722Val)

Gene: ITGAM (integrin subunit alpha M; plus strand). Cytogenetic location: 16p11.2.
Variant type: single nucleotide variant.
Coding change: c.2164A>G on transcript NM_000632.4 (MANE Select); coding-DNA position 2164, A replaced by G.
Protein change: p.Ile722Val; replaces isoleucine 722 with valine.
Molecular consequence: missense variant.
Genome position (GRCh38, 1-based): chr16:31,324,657, A>G. VCF-style: chr16-31324657-A-G. GRCh37 (hg19) VCF-style: chr16-31335978-A-G.
Other names: c.2167A>G, p.Ile723Val (NM_001145808.2); short protein forms I722V, I723V.
Identifiers: ClinVar variation 2829178 (VCV002829178.3), dbSNP rs768074536, ClinGen allele CA8025747.